The following is an entry in ClinVar:

ClinVar aggregate classification (germline): Uncertain significance (1 of 4 stars; one submission).

Conditions:
Myofibrillar myopathy 5. Also called: Filaminopathy (type); FILAMINOPATHY, AUTOSOMAL DOMINANT. Identifiers: Orphanet 171445, MedGen C1836050, MONDO:0012289, OMIM 609524.
Distal myopathy with posterior leg and anterior hand involvement. Also called: WILLIAMS DISTAL MYOPATHY. Identifiers: Orphanet 63273, MedGen C3279722, MONDO:0013550, OMIM 614065.
Hypertrophic cardiomyopathy 26. Also called: Cardiomyopathy, familial hypertrophic, 26. Identifiers: Orphanet 75249, MedGen C4310749, MONDO:0014883, OMIM 617047.

Submission:

Labcorp Genetics (formerly Invitae), Labcorp
Classification: Uncertain significance for Distal myopathy with posterior leg and anterior hand involvement; Myofibrillar myopathy 5; Hypertrophic cardiomyopathy 26. Last evaluated: 2024-04-30. Review status: criteria provided, single submitter. Criteria: Invitae Variant Classification Sherloc (09022015). Collection method: clinical testing. Allele origin: germline.
Comment: This sequence change replaces asparagine, which is neutral and polar, with lysine, which is basic and polar, at codon 99 of the FLNC protein (p.Asn99Lys). This variant is not present in population databases (gnomAD no frequency). This variant has not been reported in the literature in individuals affected with FLNC-related conditions. Advanced modeling of protein sequence and biophysical properties (such as structural, functional, and spatial information, amino acid conservation, physicochemical variation, residue mobility, and thermodynamic stability) has been performed at Invitae for this missense variant, however the output from this modeling did not meet the statistical confidence thresholds required to predict the impact of this variant on FLNC protein function. In summary, the available evidence is currently insufficient to determine the role of this variant in disease. Therefore, it has been classified as a Variant of Uncertain Significance.

NM_001458.5(FLNC):c.297C>G (p.Asn99Lys)

Gene: FLNC (filamin C; plus strand). Cytogenetic location: 7q32.1.
Variant type: single nucleotide variant.
Coding change: c.297C>G on transcript NM_001458.5 (MANE Select); coding-DNA position 297, C replaced by G.
Protein change: p.Asn99Lys; replaces asparagine 99 with lysine.
Molecular consequence: missense variant.
Genome position (GRCh38, 1-based): chr7:128,830,934, C>G. VCF-style: chr7-128830934-C-G. GRCh37 (hg19) VCF-style: chr7-128470988-C-G.
Other names: c.297C>G, p.Asn99Lys (NM_001127487.2); short protein forms N99K.
Identifiers: ClinVar variation 2951967 (VCV002951967.3), dbSNP rs2536605669, ClinGen allele CA369216918.
Genomic context (GRCh38, chr7:128,830,934, plus strand): 5'-GAAGCGCATGTACCGCAAGTTCCATCCGCGCCCCAACTTCCGCCAAATGAAGCTGGAGAA[C>G]GTGTCCGTGGCCCTCGAGTTCCTCGAGCGCGAGCACATCAAGCTCGTGTCCATAGGTCAG-3'
Protein context (NP_001449.3, residues 89-109): RPNFRQMKLE[Asn99Lys]VSVALEFLER